The following is an entry in ClinVar:

NM_007194.4(CHEK2):c.1385T>A (p.Leu462His)

Gene: CHEK2 (checkpoint kinase 2; minus strand). Cytogenetic location: 22q12.1.
Variant type: single nucleotide variant.
Coding change: c.1385T>A on transcript NM_007194.4 (MANE Select); coding-DNA position 1385, T replaced by A.
Protein change: p.Leu462His; replaces leucine 462 with histidine.
Molecular consequence: missense variant.
Genome position (GRCh38, 1-based): chr22:28,694,108, A>T on the plus strand (T>A on the coding strand, the complement: CHEK2 is on the minus strand). VCF-style: chr22-28694108-A-T. GRCh37 (hg19) VCF-style: chr22-29090096-A-T.
Other names: c.1514T>A, p.Leu505His (NM_001005735.3); c.722T>A, p.Leu241His (NM_001257387.3); c.1184T>A, p.Leu395His (NM_001349956.3); c.1298T>A, p.Leu433His (NM_145862.3); short protein forms L241H, L395H, L433H, L462H, L505H.
Identifiers: ClinVar variation 999643 (VCV000999643.9), dbSNP rs2052473264, ClinGen allele CA411094520.
Genomic context (GRCh38, chr22:28,694,108, plus strand): 5'-CTTAAGGCTTCTTCTGTCGTAAAACGTGCCTTTGGATCCACTACCAACAACTTCTTGACA[A>T]GGTCCAGAGCTAAAGCAACAATTGGGCAAATCACAGTGAAAAGGATAAATATATTATCAG-3'
Protein context (NP_009125.1, residues 452-472): WAEVSEKALD[Leu462His]VKKLLVVDPK

ClinVar aggregate classification (germline): Uncertain significance (1 of 4 stars; one submission).

Conditions:
Familial cancer of breast. Also called: Hereditary breast cancer; hereditary breast carcinoma; BREAST CANCER, FAMILIAL. Identifiers: Orphanet 227535, MedGen C0346153, MONDO:0016419, OMIM 114480. Disease mechanism: loss of function.

Submission:

Labcorp Genetics (formerly Invitae), Labcorp
Classification: Uncertain significance for Familial cancer of breast. Last evaluated: 2020-03-18. Review status: criteria provided, single submitter. Criteria: Invitae Variant Classification Sherloc (09022015). Collection method: clinical testing. Allele origin: germline.
Comment: In summary, the available evidence is currently insufficient to determine the role of this variant in disease. Therefore, it has been classified as a Variant of Uncertain Significance. Algorithms developed to predict the effect of missense changes on protein structure and function are either unavailable or do not agree on the potential impact of this missense change (SIFT: "Deleterious"; PolyPhen-2: "Probably Damaging"; Align-GVGD: "Class C0"). This variant has not been reported in the literature in individuals with CHEK2-related conditions. This variant is not present in population databases (ExAC no frequency). This sequence change replaces leucine with histidine at codon 462 of the CHEK2 protein (p.Leu462His). The leucine residue is highly conserved and there is a moderate physicochemical difference between leucine and histidine.